The following is an entry in ClinVar:

ClinVar aggregate classification (germline): Pathogenic (1 of 4 stars; one submission).

Conditions:
Leber congenital amaurosis 1 (LCA1). Also called: AMAUROSIS CONGENITA OF LEBER I; RETINAL BLINDNESS, CONGENITAL; Congenital absence of the rods and cones; Leber's congenital tapetoretinal degeneration; Leber's congenital tapetoretinal dysplasia. Identifiers: Orphanet 65, MedGen C2931258, MONDO:0008764, OMIM 204000.
Cone-rod dystrophy 6 (CORD6). Also called: RETINAL CONE DYSTROPHY 2; Cone dystrophy progressive. Identifiers: Orphanet 1872, MedGen C1866293, MONDO:0011143, OMIM 601777.

Submission:

Labcorp Genetics (formerly Invitae), Labcorp
Classification: Pathogenic for Leber congenital amaurosis 1; Cone-rod dystrophy 6. Last evaluated: 2022-11-18. Review status: criteria provided, single submitter. Criteria: Invitae Variant Classification Sherloc (09022015). Collection method: clinical testing. Allele origin: germline.
Comment: For these reasons, this variant has been classified as Pathogenic. This variant has not been reported in the literature in individuals affected with GUCY2D-related conditions. This variant is not present in population databases (gnomAD no frequency). This sequence change creates a premature translational stop signal (p.Arg6Glufs*78) in the GUCY2D gene. It is expected to result in an absent or disrupted protein product. Loss-of-function variants in GUCY2D are known to be pathogenic (PMID: 10951519, 11328726).

Literature cited by the submitters: PubMed 10951519; PubMed 11328726.

NM_000180.4(GUCY2D):c.16_19del (p.Arg6fs)

Gene: GUCY2D (guanylate cyclase 2D, retinal; plus strand). Cytogenetic location: 17p13.1.
Variant type: Microsatellite.
Coding change: c.16_19del on transcript NM_000180.4 (MANE Select); coding-DNA positions 16 to 19, 4 bases deleted (CGCC; older notation c.16_19delCGCC).
Protein change: p.Arg6fs; shifts the reading frame from arginine 6.
Molecular consequence: frameshift variant.
Genome position (GRCh38, 1-based): chr17:8,003,063-8,003,066, CGCC deleted; deleting any 4 consecutive bases within chr17:8,003,059-8,003,066 gives the same sequence; the c. name uses the placement nearest the transcript's 3' end. VCF-style (leftmost placement, unchanged base first): chr17-8003058-GCGCC-G. GRCh37 (hg19) VCF-style: chr17-7906376-GCGCC-G.
Other names: short protein forms R6fs.
Identifiers: ClinVar variation 2941641 (VCV002941641.3), dbSNP rs2545417186, ClinGen allele CA2740095224.
Genomic context (GRCh38, chr17:8,003,058, plus strand): 5'-CGGGGTCTCAGTCGCTCAGCCTGCTCCGTCTGTGTTCGCAGAAGCCGGCAATGACCGCCT[GCGCC>G]CGCCGAGCGGGTGGGCTTCCGGACCCCGGGCTCTGCGGTCCCGCGTGGTGGGCTCCGTCC-3'